The following is an entry in ClinVar:

ClinVar aggregate classification (germline): Pathogenic/Likely pathogenic. Review status: criteria provided, multiple submitters, no conflicts (2 of 4 stars). 14 submissions from 14 submitters: Pathogenic (10); Likely pathogenic (3). 1 of the submissions does not count toward it. Last evaluated 2026-05-04.

Conditions:
PKD1-related disorder. Also called: PKD1-related condition.
PKD1-Biallelic Autosomal Recessive Polycystic Kidney Disease.
Inborn genetic diseases. Identifiers: MedGen C0950123, MeSH D030342.
Autosomal dominant polycystic kidney disease. Identifiers: Orphanet 730, MedGen C0085413, MONDO:0004691.
Polycystic kidney disease, adult type (PKD1). Also called: Polycystic Kidney Disease 1, Autosomal Dominant; Polycystic kidney disease 1; Polycystic kidney disease 1, severe; POLYCYSTIC KIDNEY DISEASE, ADULT, TYPE I; Polycystic Kidney, Autosomal Dominant; POLYCYSTIC KIDNEY DISEASE 1 WITH OR WITHOUT POLYCYSTIC LIVER DISEASE. Identifiers: MedGen C3149841, MONDO:0008263, OMIM 173900.
Polycystic kidney disease. Also called: Polycystic kidney dysplasia; Kidney, Polycystic. Identifiers: MedGen C0022680, MeSH D007690, MONDO:0020642, HP:0000113.

gnomAD v4.1: 1 of 1,610,450 alleles (0.000062%); highest among the groups gnomAD compares: Non-Finnish European, 0.000085%; no homozygotes.

Submissions (14):

Ambry Genetics
Classification: Pathogenic for Inborn genetic diseases. Last evaluated: 2026-05-04. Review status: criteria provided, single submitter. Criteria: Ambry Variant Classification Scheme 2023. Collection method: clinical testing. Allele origin: germline.
Comment: The c.11014-10C>A intronic variant consists of a C to A substitution 10 nucleotides before exon 38 (coding exon 38) of the PKD1 gene. This variant was not reported in population-based cohorts in the Genome Aggregation Database (gnomAD). This variant was reported in individual(s) with features consistent with PKD1-related polycystic kidney disease (Bogdanova, 2000; Rossetti, 2007; Kurashige, 2015; Xu, 2018; Zhang, 2019; Bekheirnia, 2021; Yan, 2022; Hort, 2023; Lindemann, 2023; Elhassan, 2024). This nucleotide position is poorly conserved in available vertebrate species. RNA studies have demonstrated that this variant results in abnormal splicing (Rossetti, 2007; Kurashige, 2015; Hort, 2023; Ambry internal data). In silico splice site analysis predicts that this alteration will weaken the native splice acceptor site and may result in the creation or strengthening of a novel splice acceptor site. Based on the available evidence, this alteration is classified as pathogenic.

Victorian Clinical Genetics Services, Murdoch Childrens Research Institute
Classification: Pathogenic for Polycystic kidney disease, adult type. Last evaluated: 2026-03-16. Review status: criteria provided, single submitter. Criteria: ACMG Guidelines, 2015. Collection method: clinical testing. Allele origin: germline. Affected: yes.
Comment: This variant is classified as Pathogenic. Evidence in support of pathogenic classification: Splice site variant proven to affect splicing of the transcript with uncertain effect on protein sequence. RT-PCR confirmed abnormal splicing and predicted to result in the out-of-frame skipping of exon 38 as well as a product that included the final 180bp of intron 37 (PMID: 17582161). - Variant is present in gnomAD <0.001 for a dominant condition (v4: 1 heterozygote(s), 0 homozygote(s)); This variant has strong previous evidence of pathogenicity in unrelated individuals. This variant has been classified as pathogenic or likely pathogenic by multiple laboratories in ClinVar; Missense variant predicted to be damaging by in silico tool(s) or highly conserved with a major amino acid change. Additional information: This variant is heterozygous; This gene is associated with autosomal dominant disease. Polycystic kidney disease 1 (MIM#173900) is predominantly caused by monoallelic variants, with rare reports of biallelic variants causing disease (OMIM); Alternative amino acid change(s) at the same position are present in gnomAD (highest allele count: v4: 20 heterozygote(s), 0 homozygote(s)); Loss of function is a known mechanism of disease in this gene and is associated with polycystic kidney disease 1 (MIM#173900); Inheritance information for this variant is not currently available in this individual.

3billion
Classification: Pathogenic for Polycystic kidney disease, adult type. Last evaluated: 2026-01-26. Review status: criteria provided, single submitter. Criteria: ACMG Guidelines, 2015. Collection method: clinical testing. Allele origin: germline. Affected: yes.
Comment: The variant is observed at an extremely low frequency in the gnomAD v4.1.0 dataset (total allele frequency: <0.001%). Predicted Consequence/Location: Intron variant: previously reported to alter splicing from an in vitro assay and reduce expression level of the gene (PMID: 17582161). In silico tools predict the variant to alter splicing and produce an abnormal transcript [SpliceAI: 0.82 (spliceogenicity >=0.2, non-spliceogenicity <0.1)]. Intron variant: previously reported to alter splicing from an in vitro assay and reduce expression level of the gene (PMID: 17582161). Therefore, this variant is classified as Pathogenic according to the recommendation of ACMG/AMP guideline.

PreventionGenetics, part of Exact Sciences
Classification: Pathogenic for PKD1-related condition. Last evaluated: 2025-08-26. Review status: criteria provided, single submitter. Criteria: ACMG Guidelines, 2015. Collection method: clinical testing. Allele origin: germline.
Comment: The PKD1 c.11017-10C>A variant is predicted to interfere with splicing. This variant has been repeatedly reported to be pathogenic for autosomal dominant polycystic kidney disease (ADPKD) (see for example, Bogdanova et al. 2000. PubMed ID: 10923038; Xu et al. 2018. PubMed ID: 29529603; Zhang et al. 2019. PubMed ID: 29633482). This variant has not been reported in a large population database (gnomAD), indicating this variant is rare. This variant is interpreted as pathogenic.

Institute of Human Genetics, University of Leipzig Medical Center
Classification: Pathogenic for Polycystic kidney disease, adult type. Last evaluated: 2025-07-14. Review status: criteria provided, single submitter. Criteria: ACMG Guidelines, 2015. Collection method: clinical testing. Allele origin: unknown. Inheritance: Autosomal dominant inheritance. Affected: yes.
Comment: Criteria applied: PVS1_STR,PS2_MOD,PS4_MOD,PM2_SUP,PP1,PP4

GeneDx
Classification: Pathogenic. Last evaluated: 2025-05-14. Review status: criteria provided, single submitter. Criteria: GeneDx Variant Classification Process June 2021. Collection method: clinical testing. Allele origin: germline. Affected: yes.
Comment: Published functional studies demonstrate this variant leads to skipping of exon 38 and creates additional product from IVS37 (PMID: 17582161); Not observed at significant frequency in large population cohorts (gnomAD); In silico analysis supports a deleterious effect on splicing; This variant is associated with the following publications: (PMID: 25333066, 10987650, 22508176, 29633482, 10923038, 17574468, 35368817, 36000373, Hort2023[preprint], 38689396, 29529603, 38481516, 37419908, 36186434, 36938073, 17582161)

Women's Health and Genetics/Laboratory Corporation of America, LabCorp
Classification: Pathogenic for PKD1-Biallelic Autosomal Recessive Polycystic Kidney Disease. Last evaluated: 2025-05-07. Review status: criteria provided, single submitter. Criteria: LabCorp Variant Classification Summary - May 2015. Collection method: clinical testing. Allele origin: germline.
Comment: Variant summary: PKD1 c.11017-10C>A alters a nucleotide located at a position not widely known to affect splicing. Several computational tools predict a significant impact on normal splicing: Three predict the variant abolishes a 3' acceptor site. At least one publication reports experimental evidence that this variant affects mRNA splicing (Kurashige_2014). The variant was absent in 248018 control chromosomes (gnomAD). c.11017-10C>A has been observed in multiple individuals affected with Polycystic Kidney Disease and this variant co-segregated with the disease (Kurashige_2014, Chang_2022). These data indicate that the variant is very likely to be associated with disease. The following publications have been ascertained in the context of this evaluation (PMID: 36580209, 24611717). ClinVar contains an entry for this variant (Variation ID: 805137). Based on the evidence outlined above, the variant was classified as pathogenic.

Blueprint Genetics
Classification: Likely pathogenic for PKD1-related disorders. Last evaluated: 2024-10-21. Review status: criteria provided, single submitter. Criteria: ACMG Guidelines, 2015. Collection method: clinical testing. Allele origin: germline. Affected: yes. Observed: 2 variant alleles.

Fulgent Genetics
Classification: Likely pathogenic for Polycystic kidney disease, adult type. Last evaluated: 2024-03-07. Review status: criteria provided, single submitter. Criteria: ACMG Guidelines, 2015. Collection method: clinical testing. Allele origin: germline.

Molecular Genetics of Inherited Kidney Disorders Laboratory, Garvan Institute of Medical Research
Classification: Likely pathogenic for Autosomal dominant polycystic kidney disease. Last evaluated: 2022-11-20. Review status: criteria provided, single submitter. Criteria: ACMG Guidelines, 2015. Collection method: research. Allele origin: germline. Affected: yes.

Athena Diagnostics
Classification: Pathogenic. Last evaluated: 2018-09-27. Review status: criteria provided, single submitter. Criteria: Athena Diagnostics Criteria. Collection method: clinical testing. Allele origin: germline.
Comment: Not found in the total gnomAD dataset, but the area has low coverage or is a low quality site (0/30896 chr). Found in at least one symptomatic patient. Predicted to negatively affect a known splice site. Damaging to protein function(s) relevant to disease mechanism. Moderate co-segregation with disease. However, available data are from a single family and lack unaffected family members.

Clinical Genetics Service, Universitary Hospital 12 de Octubre
Classification: Pathogenic for Polycystic kidney disease, adult type. Review status: criteria provided, single submitter. Criteria: ACMG Guidelines, 2015. Collection method: clinical testing. Allele origin: germline. Affected: yes.

Juno Genomics, Hangzhou Juno Genomics, Inc
Classification: Pathogenic for Polycystic kidney disease, adult type. Review status: criteria provided, single submitter. Criteria: ACMG Guidelines, 2015. Collection method: clinical testing. Allele origin: germline. Affected: yes.
Comment: Absent from controls (or at extremely low frequency if recessive) in Genome Aggregation Database, Exome Sequencing Project, 1000 Genomes Project, or Exome Aggregation Consortium.;Well-established in vitro or in vivo functional studies supportive of a damaging effect on the gene or gene product.;The prevalence of the variant in affected individuals is significantly increased compared to the prevalence in controls.;Patient's phenotype or family history is highly specific for a disease with a single genetic etiology.;Co-segregation with disease in multiple affected family members in a gene definitively known to cause the disease.

Department of Pathology and Laboratory Medicine, Sinai Health System
Classification: Likely pathogenic for Polycystic Kidney disease. Review status: no assertion criteria provided. Collection method: clinical testing. Allele origin: unknown. Affected: yes. Study: The Canadian Open Genetics Repository (COGR). Not counted in ClinVar's aggregate classification.
Comment: The PKD1 c.11017-10C>A variant was identified in 10 of 3824 proband chromosomes (frequency: 0.003) from individuals or families with autosomal dominant polycystic kidney disease (AD-PKD) and was not identified in 150 control chromosomes from healthy individuals (Audrezet 2012, Bogdanova 2000, Carrera 2016, Garcia-Gonzalez 2007, Perrichot 1999, Rossetti 2007, Xu 2018). Two studies found the variant to segregate with disease in affected family members (Perrichot 1999, Bogdanova 2000). The variant was also identified in the ADPKD Mutation Database (classified as highly likely pathogenic). The variant was not identified in dbSNP, ClinVar, LOVD 3.0, or PKD1-LOVD. The variant was not identified in the following control databases: the Exome Aggregation Consortium (August 8th 2016) or the Genome Aggregation Database (Feb 27, 2017). An RT-PCR assay showed this variant resulted in skipping of exon 38 as well a product that included the final 180bp of intron 37 (Rossetti 2007). In summary, based on the above information, the clinical significance of this variant cannot be determined with certainty at this time, although we would lean towards a more pathogenic role for this variant. This variant is classified as likely pathogenic.

Literature cited by the submitters: PubMed 10923038 (cited by 3 submitters); PubMed 17582161 (cited by 4 submitters); PubMed 24611717 (cited by Ambry Genetics and Women's Health and Genetics/Laboratory Corporation of America, LabCorp); PubMed 29529603 (cited by Ambry Genetics); PubMed 29633482 (cited by Ambry Genetics and Athena Diagnostics); PubMed 35368817 (cited by Ambry Genetics); PubMed 36186434 (cited by Ambry Genetics); PubMed 36938073 (cited by Ambry Genetics); PubMed 37419908 (cited by Ambry Genetics); PubMed 38481516 (cited by Ambry Genetics); PubMed 36580209 (cited by 3billion and Women's Health and Genetics/Laboratory Corporation of America, LabCorp); PubMed 10987650 (cited by Athena Diagnostics).

NM_001009944.3(PKD1):c.11017-10C>A

Genes: PKD1 (polycystin 1, transient receptor potential channel interacting; minus strand), PKD1-AS1 (PKD1 antisense RNA 1; plus strand). Cytogenetic location: 16p13.3.
Variant type: single nucleotide variant.
Coding change: c.11017-10C>A on transcript NM_001009944.3 (MANE Select); 10 bases into the intron before coding-DNA position 11017, C replaced by A.
Molecular consequence: intron variant.
Genome position (GRCh38, 1-based): chr16:2,093,103, G>T on the plus strand (C>A on the coding strand, the complement: PKD1 is on the minus strand). VCF-style: chr16-2093103-G-T. GRCh37 (hg19) VCF-style: chr16-2143104-G-T.
Other names: c.11014-10C>A (NM_000296.4).
Identifiers: ClinVar variation 805137 (VCV000805137.44), dbSNP rs555703777, ClinGen allele CA915948999.